The following is an entry in ClinVar:

NM_006059.4(LAMC3):c.1018C>T (p.Arg340Trp)

Gene: LAMC3 (laminin subunit gamma 3; plus strand). Cytogenetic location: 9q34.12.
Variant type: single nucleotide variant.
Coding change: c.1018C>T on transcript NM_006059.4 (MANE Select); coding-DNA position 1018, C replaced by T.
Protein change: p.Arg340Trp; replaces arginine 340 with tryptophan.
Molecular consequence: missense variant.
Genome position (GRCh38, 1-based): chr9:131,038,905, C>T. VCF-style: chr9-131038905-C-T. GRCh37 (hg19) VCF-style: chr9-133914292-C-T.
Other names: short protein forms R340W.
Identifiers: ClinVar variation 930376 (VCV000930376.7), dbSNP rs146887458, ClinGen allele CA5286911.
Genomic context (GRCh38, chr9:131,038,905, plus strand): 5'-TCCCCACTCCTGCCCATAGCCTGCAACTGCAGTGGCCGCTCCGAGGAATGCACGTTTGAT[C>T]GGGAGCTCTTCCGCAGCACAGGCCACGGCGGGCGCTGTCACCACTGCCGTGACCACACAG-3'
Protein context (NP_006050.3, residues 330-350): SGRSEECTFD[Arg340Trp]ELFRSTGHGG

ClinVar aggregate classification (germline): Uncertain significance. Review status: criteria provided, multiple submitters, no conflicts (2 of 4 stars). 3 submissions from 3 submitters: Uncertain significance (3). Last evaluated 2025-08-17.

Conditions:
Occipital pachygyria and polymicrogyria. Identifiers: Orphanet 280640, MedGen C3279875, MONDO:0013583, OMIM 614115.

Allele frequency attached by ClinVar (database versions not stated): TOPMed 0.00007.

Submissions (3):

Labcorp Genetics (formerly Invitae), Labcorp
Classification: Uncertain significance. Last evaluated: 2025-08-17. Review status: criteria provided, single submitter. Criteria: Invitae Variant Classification Sherloc (09022015). Collection method: clinical testing. Allele origin: germline.
Comment: This sequence change replaces arginine, which is basic and polar, with tryptophan, which is neutral and slightly polar, at codon 340 of the LAMC3 protein (p.Arg340Trp). This variant is present in population databases (rs146887458, gnomAD 0.008%). This variant has not been reported in the literature in individuals affected with LAMC3-related conditions. ClinVar contains an entry for this variant (Variation ID: 930376). An algorithm developed to predict the effect of missense changes on protein structure and function outputs the following: PolyPhen-2: "Benign". The tryptophan amino acid residue is found in multiple mammalian species, which suggests that this missense change does not adversely affect protein function. In summary, the available evidence is currently insufficient to determine the role of this variant in disease. Therefore, it has been classified as a Variant of Uncertain Significance.

Women's Health and Genetics/Laboratory Corporation of America, LabCorp
Classification: Uncertain significance. Last evaluated: 2023-05-10. Review status: criteria provided, single submitter. Criteria: LabCorp Variant Classification Summary - May 2015. Collection method: clinical testing. Allele origin: germline.
Comment: Variant summary: LAMC3 c.1018C>T (p.Arg340Trp) results in a non-conservative amino acid change in the encoded protein sequence. Three of five in-silico tools predict a damaging effect of the variant on protein function. The variant allele was found at a frequency of 4.8e-05 in 250456 control chromosomes. To our knowledge, no occurrence of c.1018C>T in individuals affected with Occipital Pachygyria And Polymicrogyria and no experimental evidence demonstrating its impact on protein function have been reported. Two clinical diagnostic laboratories have submitted clinical-significance assessments for this variant to ClinVar after 2014. All laboratories classified the variant as uncertain significance. Based on the evidence outlined above, the variant was classified as uncertain significance.

Centre for Mendelian Genomics, University Medical Centre Ljubljana
Classification: Uncertain significance for Occipital pachygyria and polymicrogyria. Last evaluated: 2019-03-25. Review status: criteria provided, single submitter. Criteria: ACMG Guidelines, 2015. Collection method: clinical testing. Allele origin: unknown. Affected: yes.
Comment: This variant was classified as: Uncertain significance. The available evidence on this variant's pathogenicity is insufficient or conflicting. The following ACMG criteria were applied in classifying this variant: PM2.